The following is an entry in ClinVar:

ClinVar aggregate classification (germline): Likely benign (0 of 4 stars; one submission).

Conditions:
SIM1-related disorder. Also called: SIM1-related condition; SIM1-related disorders.

gnomAD v4.1: 1 of 1,613,938 alleles (0.000062%); highest among the groups gnomAD compares: Non-Finnish European, 0.000085%; no homozygotes.

Submission:

PreventionGenetics, part of Exact Sciences
Classification: Likely benign for SIM1-related condition. Last evaluated: 2023-12-29. Review status: no assertion criteria provided. Collection method: clinical testing. Allele origin: germline.
Comment: This variant is classified as likely benign based on ACMG/AMP sequence variant interpretation guidelines (Richards et al. 2015 PMID: 25741868, with internal and published modifications).

NM_005068.3(SIM1):c.597C>T (p.Ser199=)

Gene: SIM1 (SIM bHLH transcription factor 1; minus strand). Cytogenetic location: 6q16.3.
Variant type: single nucleotide variant.
Coding change: c.597C>T on transcript NM_005068.3 (MANE Select); coding-DNA position 597, C replaced by T.
Protein change: p.Ser199=; no amino-acid change (serine 199 retained).
Molecular consequence: synonymous variant.
Genome position (GRCh38, 1-based): chr6:100,448,625, G>A on the plus strand (C>T on the coding strand, the complement: SIM1 is on the minus strand). VCF-style: chr6-100448625-G-A. GRCh37 (hg19) VCF-style: chr6-100896501-G-A.
Other names: c.597C>T, p.Ser199= (NM_001374769.1).
Identifiers: ClinVar variation 3348671 (VCV003348671.1).
Genomic context (GRCh38, chr6:100,448,625, plus strand): 5'-GGGAGGCAGCGAGTGGCCCACGGCCACCAGGCCCACGTTTTGGTAGCAGCCGTCGAAGGG[G>A]GACATGTCCAGGCTGTACTGGCGGATCTTCAAGTAGCCGCTGCAGTGGATGACCTGAGGC-3'
Protein context (NP_005059.2, residues 189-209): LKIRQYSLDM[Ser199=]PFDGCYQNVG